The following is an entry in ClinVar:

NM_015331.3(NCSTN):c.1180-3C>T

Gene: NCSTN (nicastrin; plus strand). Cytogenetic location: 1q23.2.
Variant type: single nucleotide variant.
Coding change: c.1180-3C>T on transcript NM_015331.3 (MANE Select); 3 bases into the intron before coding-DNA position 1180, C replaced by T.
Molecular consequence: intron variant.
Genome position (GRCh38, 1-based): chr1:160,354,115, C>T. VCF-style: chr1-160354115-C-T. GRCh37 (hg19) VCF-style: chr1-160323905-C-T.
Other names: c.1120-3C>T (NM_001290184.2); c.1180-3C>T (NM_001349729.2); c.766-3C>T (NM_001290186.2).
Identifiers: ClinVar variation 1389641 (VCV001389641.6), dbSNP rs1418386630, ClinGen allele CA2573131224.

ClinVar aggregate classification (germline): Uncertain significance (1 of 4 stars; one submission).

Allele frequency attached by ClinVar (database versions not stated): gnomAD exomes below 0.00001.
gnomAD v4.1: 2 of 1,614,016 alleles (0.00012%); highest among the groups gnomAD compares: Non-Finnish European, 0.00017%; no homozygotes.

Submission:

Labcorp Genetics (formerly Invitae), Labcorp
Classification: Uncertain significance. Last evaluated: 2022-09-27. Review status: criteria provided, single submitter. Criteria: Invitae Variant Classification Sherloc (09022015). Collection method: clinical testing. Allele origin: germline.
Comment: In summary, the available evidence is currently insufficient to determine the role of this variant in disease. Therefore, it has been classified as a Variant of Uncertain Significance. Variants that disrupt the consensus splice site are a relatively common cause of aberrant splicing (PMID: 17576681, 9536098). Algorithms developed to predict the effect of sequence changes on RNA splicing suggest that this variant is not likely to affect RNA splicing. ClinVar contains an entry for this variant (Variation ID: 1389641). This variant has not been reported in the literature in individuals affected with NCSTN-related conditions. This variant is not present in population databases (gnomAD no frequency). This sequence change falls in intron 10 of the NCSTN gene. It does not directly change the encoded amino acid sequence of the NCSTN protein. It affects a nucleotide within the consensus splice site.

Literature cited by the submitters: PubMed 17576681; PubMed 9536098.